The following is an entry in ClinVar:

NM_012186.3(FOXE3):c.739G>A (p.Ala247Thr)

Genes: FOXE3 (forkhead box E3; plus strand), LINC01389 (long independently transcribed non-coding RNA 1389; minus strand). Cytogenetic location: 1p33.
Variant type: single nucleotide variant.
Coding change: c.739G>A on transcript NM_012186.3 (MANE Select); coding-DNA position 739, G replaced by A.
Protein change: p.Ala247Thr; replaces alanine 247 with threonine.
Molecular consequence: missense variant.
Genome position (GRCh38, 1-based): chr1:47,417,054, G>A. VCF-style: chr1-47417054-G-A. GRCh37 (hg19) VCF-style: chr1-47882726-G-A.
Other names: short protein forms A247T.
Identifiers: ClinVar variation 4784390 (VCV004784390.1).
Genomic context (GRCh38, chr1:47,417,054, plus strand): 5'-CCGGAGCTAGCGGGGCTGGGCGCCCCCGAGCCGCCCTGCTGCGCCGCGCCCGACGCCGCA[G>A]CCGCAGCCTTCCCGCCCTGCGCTGCCGCCGCCTCCCCGCCACTCTACTCGCAGGTCCCCG-3'
Protein context (NP_036318.1, residues 237-257): PPCCAAPDAA[Ala247Thr]AAFPPCAAAA

ClinVar aggregate classification (germline): Uncertain significance (1 of 4 stars; one submission).

Conditions:
Anterior segment dysgenesis. Also called: Ocular anterior segment dysgenesis. Identifiers: Orphanet 88632, MedGen C1862839, MONDO:0019503, HP:0007700.
Congenital primary aphakia. Also called: Anterior segment dysgenesis 2, multiple subtypes; ANTERIOR SEGMENT DYSGENESIS 2. Identifiers: Orphanet 83461, MedGen C1853230, MONDO:0012456, OMIM 610256.

Submission:

Labcorp Genetics (formerly Invitae), Labcorp
Classification: Uncertain significance for Anterior segment dysgenesis; Congenital primary aphakia. Last evaluated: 2025-12-08. Review status: criteria provided, single submitter. Criteria: Invitae Variant Classification Sherloc (09022015). Collection method: clinical testing. Allele origin: germline.
Comment: This sequence change replaces alanine, which is neutral and non-polar, with threonine, which is neutral and polar, at codon 247 of the FOXE3 protein (p.Ala247Thr). This variant is not present in population databases (gnomAD no frequency). This variant has not been reported in the literature in individuals affected with FOXE3-related conditions. Invitae Evidence Modeling of protein sequence and biophysical properties (such as structural, functional, and spatial information, amino acid conservation, physicochemical variation, residue mobility, and thermodynamic stability) indicates that this missense variant is not expected to disrupt FOXE3 protein function with a negative predictive value of 95%. In summary, the available evidence is currently insufficient to determine the role of this variant in disease. Therefore, it has been classified as a Variant of Uncertain Significance.